The following is an entry in ClinVar:

ClinVar aggregate classification (germline): Uncertain significance (1 of 4 stars; one submission).

Conditions:
Hereditary cancer-predisposing syndrome. Also called: Tumor predisposition; Hereditary neoplastic syndrome; Neoplastic Syndromes, Hereditary; Hereditary Cancer Syndrome. Identifiers: Orphanet 140162, MedGen C0027672, MeSH D009386, MONDO:0015356.

Submission:

Ambry Genetics
Classification: Uncertain significance for Hereditary cancer-predisposing syndrome. Last evaluated: 2019-10-18. Review status: criteria provided, single submitter. Criteria: Ambry Variant Classification Scheme 2023. Collection method: clinical testing. Allele origin: germline.
Comment: The p.H50N variant (also known as c.148C>A), located in coding exon 2 of the SDHD gene, results from a C to A substitution at nucleotide position 148. The histidine at codon 50 is replaced by asparagine, an amino acid with similar properties. This amino acid position is highly conserved in available vertebrate species. In addition, the in silico prediction for this alteration is inconclusive. Since supporting evidence is limited at this time, the clinical significance of this alteration remains unclear.

NM_003002.4(SDHD):c.148C>A (p.His50Asn)

Gene: SDHD (succinate dehydrogenase complex subunit D; plus strand). Cytogenetic location: 11q23.1.
Variant type: single nucleotide variant.
Coding change: c.148C>A on transcript NM_003002.4 (MANE Select); coding-DNA position 148, C replaced by A.
Protein change: p.His50Asn; replaces histidine 50 with asparagine.
Molecular consequence: missense variant. On other transcripts: non-coding transcript variant (1), intron variant (1).
Genome position (GRCh38, 1-based): chr11:112,087,952, C>A. VCF-style: chr11-112087952-C-A. GRCh37 (hg19) VCF-style: chr11-111958676-C-A.
Other names: c.148C>A, p.His50Asn (NM_001276503.2, NM_001276506.2); c.53-915C>A (NM_001276504.2); short protein forms H50N.
Identifiers: ClinVar variation 819366 (VCV000819366.4), dbSNP rs779249550, ClinGen allele CA382617088.
Genomic context (GRCh38, chr11:112,087,952, plus strand): 5'-CATATCTCAGCATTTCTTCAGGACCGACCTATCCCAGAATGGTGTGGAGTGCAGCACATA[C>A]ACTTGTCACCGAGCCACCATTGTATGTTCTCTCCATCGCTGCTGCTTTCTGGGCTCTAGC-3'
Protein context (NP_002993.1, residues 40-60): IPEWCGVQHI[His50Asn]LSPSHHSGSK